The following is an entry in ClinVar:

ClinVar aggregate classification (germline): Uncertain significance (1 of 4 stars; one submission).

Submission:

GeneDx
Classification: Uncertain significance. Last evaluated: 2023-05-18. Review status: criteria provided, single submitter. Criteria: GeneDx Variant Classification Process June 2021. Collection method: clinical testing. Allele origin: germline. Affected: yes.
Comment: Not observed at significant frequency in large population cohorts (gnomAD); In silico analysis supports that this missense variant has a deleterious effect on protein structure/function; Has not been previously published as pathogenic or benign to our knowledge

NM_001303052.2(MYT1L):c.1877C>T (p.Pro626Leu)

Gene: MYT1L (myelin transcription factor 1 like; minus strand). Cytogenetic location: 2p25.3.
Variant type: single nucleotide variant.
Coding change: c.1877C>T on transcript NM_001303052.2 (MANE Select); coding-DNA position 1877, C replaced by T.
Protein change: p.Pro626Leu; replaces proline 626 with leucine.
Molecular consequence: missense variant.
Genome position (GRCh38, 1-based): chr2:1,903,235, G>A on the plus strand (C>T on the coding strand, the complement: MYT1L is on the minus strand). VCF-style: chr2-1903235-G-A. GRCh37 (hg19) VCF-style: chr2-1907007-G-A.
Other names: c.1877C>T, p.Pro626Leu (NM_001329844.2, NM_001329845.1, NM_001329851.3); c.1871C>T, p.Pro624Leu (NM_001329846.3, NM_001329847.2, NM_001329848.1 and 3 more transcripts); short protein forms P624L, P626L.
Identifiers: ClinVar variation 3343354 (VCV003343354.1).